The following is an entry in ClinVar:

ClinVar aggregate classification (germline): Pathogenic. Review status: criteria provided, multiple submitters, no conflicts (2 of 4 stars). 2 submissions from 2 submitters: Pathogenic (2). Last evaluated 2022-02-01.

Conditions:
Cardiovascular phenotype. Identifiers: MedGen CN230736.
Hereditary hemorrhagic telangiectasia (HHT). Also called: ORW DISEASE; Osler Weber Rendu syndrome; OSLER-RENDU-WEBER DISEASE; Osler hemorrhagic telangiectasia syndrome. Identifiers: Orphanet 774, MedGen C0039445, MONDO:0019180. Disease mechanism: loss of function.

Submissions (2):

Ambry Genetics
Classification: Pathogenic for Cardiovascular phenotype. Last evaluated: 2022-02-01. Review status: criteria provided, single submitter. Criteria: Ambry Variant Classification Scheme 2023. Collection method: clinical testing. Allele origin: germline.
Comment: The c.1698delG pathogenic mutation, located in coding exon 13 of the ENG gene, results from a deletion of one nucleotide at nucleotide position 1698, causing a translational frameshift with a predicted alternate stop codon (p.T567Lfs*6). This alteration has been reported in individuals with hereditary hemorrhagic telangiectasia (HHT) (Bossler AD et al. Hum Mutat, 2006 Jul;27:667-75; Nishida T et al. Am J Med Genet A, 2012 Nov;158A:2829-34). This variant is considered to be rare based on population cohorts in the Genome Aggregation Database (gnomAD). In addition, this alteration is expected to result in loss of function by premature protein truncation or nonsense-mediated mRNA decay. As such, this alteration is interpreted as a disease-causing mutation.

Labcorp Genetics (formerly Invitae), Labcorp
Classification: Pathogenic for Hereditary hemorrhagic telangiectasia. Last evaluated: 2020-10-12. Review status: criteria provided, single submitter. Criteria: Invitae Variant Classification Sherloc (09022015). Collection method: clinical testing. Allele origin: germline.
Comment: For these reasons, this variant has been classified as Pathogenic. This variant disrupts the C-terminus of the ENG protein. Other variant(s) that disrupt this region (p.Leu572*) have been determined to be pathogenic (PMID: 11440987, Invitae). This suggests that variants that disrupt this region of the protein are likely to be causative of disease. This variant has been observed in several individuals affected with hereditary hemorrhagic telangiectasia (HHT) (PMID: 16752392, 22991266, Invitae). This variant is also described as c.1698delG (p.R566fsX572 or p.Arg566fs) in the literature This variant is not present in population databases (ExAC no frequency). This sequence change results in a premature translational stop signal in the ENG gene (p.Thr567Leufs*6). While this is not anticipated to result in nonsense mediated decay, it is expected to disrupt the last 59 amino acids of the ENG protein.

Literature cited by the submitters: PubMed 16752392 (cited by Ambry Genetics and Labcorp Genetics (formerly Invitae), Labcorp); PubMed 22991266 (cited by Ambry Genetics and Labcorp Genetics (formerly Invitae), Labcorp); PubMed 11440987 (cited by Labcorp Genetics (formerly Invitae), Labcorp).

NM_001114753.3(ENG):c.1698del (p.Thr567fs)

Genes: ENG (endoglin; minus strand), LOC102723566 (uncharacterized LOC102723566; plus strand). Cytogenetic location: 9q34.11.
Variant type: Deletion.
Coding change: c.1698del on transcript NM_001114753.3 (MANE Select); coding-DNA position 1698, one base deleted (G; older notation c.1698delG).
Protein change: p.Thr567fs; shifts the reading frame from threonine 567.
Molecular consequence: frameshift variant. On other transcripts: non-coding transcript variant (1).
Genome position (GRCh38, 1-based): chr9:127,817,192, C deleted on the plus strand (G on the coding strand, the reverse complement: ENG is on the minus strand); the first of 2 consecutive C bases (chr9:127,817,192-127,817,193); deleting either gives the same sequence. VCF-style (leftmost placement, unchanged base first): chr9-127817191-TC-T. GRCh37 (hg19) VCF-style: chr9-130579470-TC-T.
Other names: c.1697delG, p.Thr567Leufs (NM_000118.4); c.1152del, p.Thr385fs (NM_001278138.2); short protein forms T385fs, T567fs.
Identifiers: ClinVar variation 935180 (VCV000935180.14), dbSNP rs1830345215, ClinGen allele CA1139659925.
Genomic context (GRCh38, chr9:127,817,191, plus strand): 5'-GACCTGGAGGGAGCTCACCAGACAGGTCAGGGCTGATGATGTTCAAGCGCATGAAGACAG[TC>T]CTATGGACTTCCTGGAGGAGAAAGAGAGAGCAGTATGTGGCACCTTTGGGAGGCGGCTTC-3'